The following is an entry in ClinVar:

NM_001048174.2(MUTYH):c.503A>C (p.Glu168Ala)

Gene: MUTYH (mutY DNA glycosylase; minus strand). Cytogenetic location: 1p34.1.
Variant type: single nucleotide variant.
Coding change: c.503A>C on transcript NM_001048174.2 (MANE Select); coding-DNA position 503, A replaced by C.
Protein change: p.Glu168Ala; replaces glutamic acid 168 with alanine.
Molecular consequence: missense variant. On other transcripts: non-coding transcript variant (7).
Genome position (GRCh38, 1-based): chr1:45,332,677, T>G on the plus strand (A>C on the coding strand, the complement: MUTYH is on the minus strand). VCF-style: chr1-45332677-T-G. GRCh37 (hg19) VCF-style: chr1-45798349-T-G.
Other names: c.464A>C, p.Glu155Ala (NM_001407079.1); c.461A>C, p.Glu154Ala (NM_001407080.1); c.503A>C, p.Glu168Ala (NM_001407081.1, NM_001407088.1, NM_001048173.2 and 6 more transcripts); c.158A>C, p.Glu53Ala (NM_001407082.1, NM_001350650.2, NM_001350651.2); c.545A>C, p.Glu182Ala (NM_001407083.1, NM_001407085.1); c.506A>C, p.Glu169Ala (NM_001407086.1, NM_001048172.2, NM_001407071.1 and 1 more transcripts); c.524A>C, p.Glu175Ala (NM_001407087.1); c.587A>C, p.Glu196Ala (NM_001128425.2); and 5 more; short protein forms E53A, E140A, E169A, E154A, E179A, E183A, E193A, E76A.
Identifiers: ClinVar variation 4113742 (VCV004113742.1).

ClinVar aggregate classification (germline): Uncertain significance (1 of 4 stars; one submission).

Conditions:
Hereditary cancer-predisposing syndrome. Also called: Hereditary neoplastic syndrome; Neoplastic Syndromes, Hereditary; Tumor predisposition; Hereditary Cancer Syndrome. Identifiers: Orphanet 140162, MedGen C0027672, MeSH D009386, MONDO:0015356.

Submission:

Ambry Genetics
Classification: Uncertain significance for Hereditary cancer-predisposing syndrome. Last evaluated: 2025-08-27. Review status: criteria provided, single submitter. Criteria: Ambry Variant Classification Scheme 2023. Collection method: clinical testing. Allele origin: germline.
Comment: The p.E196A variant (also known as c.587A>C), located in coding exon 8 of the MUTYH gene, results from an A to C substitution at nucleotide position 587. The glutamic acid at codon 196 is replaced by alanine, an amino acid with dissimilar properties. This amino acid position is conserved. In addition, the in silico prediction for this alteration is inconclusive. Based on the available evidence, the clinical significance of this variant remains unclear.